The following is an entry in ClinVar:

ClinVar aggregate classification (germline): Uncertain significance. Review status: criteria provided, single submitter (1 of 4 stars). 2 submissions from 1 submitter: Uncertain significance (2). Last evaluated 2022-02-04.

Conditions:
Intellectual developmental disorder, autosomal dominant 41. Also called: Intellectual disability, autosomal dominant 41. Identifiers: Orphanet 2823, MedGen C4310784, MONDO:0014842, OMIM 616944.
Pierpont syndrome (PRPTS). Identifiers: Orphanet 487825, MedGen C1865644, MONDO:0011213, OMIM 602342.

Submissions (2):

Institute of Human Genetics, University of Leipzig Medical Center
Classification: Uncertain significance for Pierpont syndrome. Last evaluated: 2022-02-04. Review status: criteria provided, single submitter. Criteria: ACMG Guidelines, 2015. Collection method: clinical testing. Allele origin: de novo. Affected: yes.
Comment: This variant was identified as de novo (maternity and paternity confirmed)._x000D_ Criteria applied: PS2_SUP, PM2_SUP, PP2, PP3

Institute of Human Genetics, University of Leipzig Medical Center
Classification: Uncertain significance for Intellectual developmental disorder, autosomal dominant 41. Last evaluated: 2020-09-23. Review status: criteria provided, single submitter. Criteria: ACMG Guidelines, 2015. Collection method: clinical testing. Allele origin: unknown. Affected: yes.

NM_024665.7(TBL1XR1):c.559G>C (p.Gly187Arg)

Gene: TBL1XR1 (TBL1X/Y related 1; minus strand). Cytogenetic location: 3q26.32.
Variant type: single nucleotide variant.
Coding change: c.559G>C on transcript NM_024665.7 (MANE Select); coding-DNA position 559, G replaced by C.
Protein change: p.Gly187Arg; replaces glycine 187 with arginine.
Molecular consequence: missense variant.
Genome position (GRCh38, 1-based): chr3:177,050,479, C>G on the plus strand (G>C on the coding strand, the complement: TBL1XR1 is on the minus strand). VCF-style: chr3-177050479-C-G. GRCh37 (hg19) VCF-style: chr3-176768267-C-G.
Other names: c.559G>C, p.Gly187Arg (NM_001321193.3, NM_001321194.3, NM_001374327.1 and 2 more transcripts); c.298G>C, p.Gly100Arg (NM_001321195.3, NM_001374330.1); short protein forms G100R, G187R.
Identifiers: ClinVar variation 1285586 (VCV001285586.2), dbSNP rs2108492204, ClinGen allele CA355552715.